The following is an entry in ClinVar:

NM_004960.4(FUS):c.282G>A (p.Gln94=)

Gene: FUS (FUS RNA binding protein; plus strand). Cytogenetic location: 16p11.2.
Variant type: single nucleotide variant.
Coding change: c.282G>A on transcript NM_004960.4 (MANE Select); coding-DNA position 282, G replaced by A.
Protein change: p.Gln94=; no amino-acid change (glutamine 94 retained).
Molecular consequence: synonymous variant. On other transcripts: non-coding transcript variant (1).
Genome position (GRCh38, 1-based): chr16:31,183,949, G>A. VCF-style: chr16-31183949-G-A. GRCh37 (hg19) VCF-style: chr16-31195270-G-A.
Other names: c.279G>A, p.Gln93= (NM_001170634.1); c.282G>A, p.Gln94= (NM_001170937.1).
Identifiers: ClinVar variation 4989919 (VCV004989919.1).

ClinVar aggregate classification (germline): Likely benign (1 of 4 stars; one submission).

Conditions:
FUS-related disorder. Also called: FUS-related condition.

Submission:

PreventionGenetics, part of Exact Sciences
Classification: Likely benign for FUS-related condition. Last evaluated: 2025-07-24. Review status: criteria provided, single submitter. Criteria: ACMG Guidelines, 2015. Collection method: clinical testing. Allele origin: germline.
Comment: This variant is classified as likely benign based on ACMG/AMP sequence variant interpretation guidelines (Richards et al. 2015 PMID: 25741868, with internal and published modifications).